The following is an entry in ClinVar:

NM_000102.4(CYP17A1):c.334_336dup (p.Ile112dup)

Gene: CYP17A1 (cytochrome P450 family 17 subfamily A member 1; minus strand). Cytogenetic location: 10q24.32.
Variant type: Duplication.
Coding change: c.334_336dup on transcript NM_000102.4 (MANE Select); coding-DNA positions 334 to 336, 3 bases duplicated (ATC; older notation c.334_336dupATC).
Protein change: p.Ile112dup; duplicates isoleucine 112.
Molecular consequence: inframe insertion.
Genome position (GRCh38, 1-based): chr10:102,835,354-102,835,356, GAT duplicated on the plus strand (ATC on the coding strand, the reverse complement: CYP17A1 is on the minus strand). VCF-style (leftmost placement, unchanged base first): chr10-102835353-C-CGAT. GRCh37 (hg19) VCF-style: chr10-104595110-C-CGAT.
Identifiers: ClinVar variation 1677065 (VCV001677065.2), dbSNP rs1844148108, ClinGen allele CA1932839661.

ClinVar aggregate classification (germline): Likely pathogenic. Review status: criteria provided, multiple submitters, no conflicts (2 of 4 stars). 2 submissions from 2 submitters: Likely pathogenic (2). Last evaluated 2023-02-26.

Conditions:
Congenital adrenal hyperplasia. Identifiers: Orphanet 418, MedGen C0001627, MONDO:0018479, HP:0008258.
Deficiency of steroid 17-alpha-monooxygenase. Also called: Congenital adrenal hyperplasia due to 17-alpha-hydroxylase deficiency; Congenital adrenal hyperplasia type 5; 17-alpha-hydroxylase/17,20-lyase deficiency; ADRENAL HYPERPLASIA V; 17-ALPHA-HYDROXYLASE DEFICIENCY. Identifiers: Orphanet 90793, MedGen C0268285, MONDO:0008730, OMIM 202110.

Allele frequency attached by ClinVar (database versions not stated): TOPMed 0.00001.

Submissions (2):

Baylor Genetics
Classification: Likely pathogenic for Deficiency of steroid 17-alpha-monooxygenase. Last evaluated: 2023-02-26. Review status: criteria provided, single submitter. Criteria: ACMG Guidelines, 2015. Collection method: clinical testing. Allele origin: unknown.

Women's Health and Genetics/Laboratory Corporation of America, LabCorp
Classification: Likely pathogenic for Congenital adrenal hyperplasia. Last evaluated: 2022-03-01. Review status: criteria provided, single submitter. Criteria: LabCorp Variant Classification Summary - May 2015. Collection method: clinical testing. Allele origin: germline.
Comment: Variant summary: CYP17A1 c.334_336dupATC (p.Ile112dup) results in an in-frame duplication that is predicted to duplicate one amino acids in the encoded protein. The variant was absent in 251478 control chromosomes (gnomAD). c.334_336dupATC has been reported in the literature in a compound heterozygous individual affected with 17-alpha-hydroxylase deficiency (Imai_1993). Authors of this report also provided experimental evidence evaluating an impact on protein function, and after expressing both variant proteins in E. coli, they demonstrated that the Ile112 duplication variant protein had no activity (Imai_1993). Missense variants around this positions (e.g. R96W, S106P, G111S, F114V, D116V, W121R) have been reported in affected individuals (HGMD), indicating an important functional role for this protein region. No clinical diagnostic laboratories have submitted clinical-significance assessments for this variant to ClinVar after 2014. Based on the evidence outlined above, the variant was classified as likely pathogenic.

Literature cited by the submitters: PubMed 8396144 (cited by Women's Health and Genetics/Laboratory Corporation of America, LabCorp); PubMed 31636948 (cited by Women's Health and Genetics/Laboratory Corporation of America, LabCorp).